The following is an entry in ClinVar:

NM_001457.4(FLNB):c.3982C>T (p.Pro1328Ser)

Gene: FLNB (filamin B; plus strand). Cytogenetic location: 3p14.3.
Variant type: single nucleotide variant.
Coding change: c.3982C>T on transcript NM_001457.4 (MANE Select); coding-DNA position 3982, C replaced by T.
Protein change: p.Pro1328Ser; replaces proline 1328 with serine.
Molecular consequence: missense variant.
Genome position (GRCh38, 1-based): chr3:58,125,664, C>T. VCF-style: chr3-58125664-C-T. GRCh37 (hg19) VCF-style: chr3-58111391-C-T.
Other names: c.3982C>T, p.Pro1328Ser (NM_001164317.2, NM_001164318.2, NM_001164319.2); short protein forms P1328S.
Identifiers: ClinVar variation 2872855 (VCV002872855.3), dbSNP rs765973664, ClinGen allele CA2468613.

ClinVar aggregate classification (germline): Uncertain significance (1 of 4 stars; one submission).

Allele frequency attached by ClinVar (database versions not stated): gnomAD exomes below 0.00001; ExAC 0.00001; gnomAD 0.00001.
gnomAD v4.1: 3 of 1,614,064 alleles (0.00019%); highest among the groups gnomAD compares: African/African-American, 0.0013%; no homozygotes.

Submission:

Labcorp Genetics (formerly Invitae), Labcorp
Classification: Uncertain significance. Last evaluated: 2025-03-17. Review status: criteria provided, single submitter. Criteria: Invitae Variant Classification Sherloc (09022015). Collection method: clinical testing. Allele origin: germline.
Comment: This sequence change replaces proline, which is neutral and non-polar, with serine, which is neutral and polar, at codon 1328 of the FLNB protein (p.Pro1328Ser). This variant is present in population databases (rs765973664, gnomAD 0.0009%). This variant has not been reported in the literature in individuals affected with FLNB-related conditions. ClinVar contains an entry for this variant (Variation ID: 2872855). Invitae Evidence Modeling of protein sequence and biophysical properties (such as structural, functional, and spatial information, amino acid conservation, physicochemical variation, residue mobility, and thermodynamic stability) indicates that this missense variant is not expected to disrupt FLNB protein function with a negative predictive value of 80%. In summary, the available evidence is currently insufficient to determine the role of this variant in disease. Therefore, it has been classified as a Variant of Uncertain Significance.